The following is an entry in ClinVar:

NM_001927.4(DES):c.77T>A (p.Leu26His)

Gene: DES (desmin; plus strand). Cytogenetic location: 2q35.
Variant type: single nucleotide variant.
Coding change: c.77T>A on transcript NM_001927.4 (MANE Select); coding-DNA position 77, T replaced by A.
Protein change: p.Leu26His; replaces leucine 26 with histidine.
Molecular consequence: missense variant.
Genome position (GRCh38, 1-based): chr2:219,418,539, T>A. VCF-style: chr2-219418539-T-A. GRCh37 (hg19) VCF-style: chr2-220283261-T-A.
Other names: c.77T>A (LRG_380t1); short protein forms L26H.
Identifiers: ClinVar variation 423612 (VCV000423612.6), dbSNP rs1064796529, ClinGen allele CA16617476.

ClinVar aggregate classification (germline): Uncertain significance. Review status: criteria provided, multiple submitters, no conflicts (2 of 4 stars). 4 submissions from 4 submitters: Uncertain significance (4). Last evaluated 2025-10-24.

Conditions:
Desmin-related myofibrillar myopathy (MFM1). Also called: Desmin related myopathy (former name); Desmin storage myopathy (former name); MYOFIBRILLAR MYOPATHY WITH ARRHYTHMOGENIC RIGHT VENTRICULAR CARDIOMYOPATHY; DESMIN-RELATED MYOPATHY WITH ARRHYTHMOGENIC RIGHT VENTRICULAR CARDIOMYOPATHY; Myofibrillar myopathy 1; Desminopathy. Identifiers: Orphanet 363543, Orphanet 98909, MedGen C1832370, MONDO:0011076, OMIM 601419.

Allele frequency attached by ClinVar (database versions not stated): gnomAD exomes below 0.00001.

Submissions (4):

Labcorp Genetics (formerly Invitae), Labcorp
Classification: Uncertain significance for Desmin-related myofibrillar myopathy. Last evaluated: 2025-10-24. Review status: criteria provided, single submitter. Criteria: Invitae Variant Classification Sherloc (09022015). Collection method: clinical testing. Allele origin: germline.
Comment: This sequence change replaces leucine, which is neutral and non-polar, with histidine, which is basic and polar, at codon 26 of the DES protein (p.Leu26His). The frequency data for this variant in the population databases is considered unreliable, as metrics indicate poor data quality at this position in the gnomAD database. This variant has not been reported in the literature in individuals affected with DES-related conditions. ClinVar contains an entry for this variant (Variation ID: 423612). Invitae Evidence Modeling of protein sequence and biophysical properties (such as structural, functional, and spatial information, amino acid conservation, physicochemical variation, residue mobility, and thermodynamic stability) indicates that this missense variant is not expected to disrupt DES protein function with a negative predictive value of 80%. In summary, the available evidence is currently insufficient to determine the role of this variant in disease. Therefore, it has been classified as a Variant of Uncertain Significance.

Phosphorus, Inc.
Classification: Uncertain significance. Last evaluated: 2022-01-13. Review status: criteria provided, single submitter. Criteria: ACMG Guidelines, 2015. Collection method: clinical testing. Allele origin: germline. Inheritance: Autosomal recessive inheritance.
Comment: This missense variant results in a substitution of leucine with histidine at codon 26 of the DES gene (transcript NM_001927.3). This variant has been reported in ClinVar (423612) NM_001927.4 (DES):c.77T>A (p.Leu26His) and occurred once in GnomAD with a total MAF of 0.0004% and highest MAF of 0.0010% in the European population. This position is conserved. In silico functional algorithms conflict, predicting it as benign (REVEL), tolerated (SIFT), and possibly damaging (PolyPhen), but no functional studies were performed to confirm these predictions. The variant has not occurred in the literature associated with the disease. In conclusion, the available evidence is insufficient to determine the pathogenicity of this variant. Therefore, it is classified as a Variant of Uncertain Significance.

Athena Diagnostics
Classification: Uncertain significance. Last evaluated: 2017-07-05. Review status: criteria provided, single submitter. Criteria: Athena Diagnostics Criteria. Collection method: clinical testing. Allele origin: germline.

GeneDx
Classification: Uncertain significance. Last evaluated: 2017-02-15. Review status: criteria provided, single submitter. Criteria: GeneDx Variant Classification (06012015). Collection method: clinical testing. Allele origin: germline. Affected: yes.
Comment: A variant of uncertain significance has been identified in the DES gene. The L26H variant has not been published as pathogenic or been reported as benign to our knowledge. This variant is not observed in large population cohorts (Lek et al., 2016; 1000 Genomes Consortium et al., 2015; Exome Variant Server). The L26H variant is a non-conservative amino acid substitution, which is likely to impact secondary protein structure as these residues differ in polarity, charge, size and/or other properties. This substitution occurs at a position that is conserved in mammals. However, in silico analysis is inconsistent in its predictions as to whether or not the variant is damaging to the protein structure/function.